The following is an entry in ClinVar:

ClinVar aggregate classification (germline): Benign. Review status: criteria provided, multiple submitters, no conflicts (2 of 4 stars). 3 submissions from 3 submitters: Benign (3). Last evaluated 2018-06-14.

Conditions:
Myopathy, lactic acidosis, and sideroblastic anemia 1 (MLASA1). Identifiers: Orphanet 2598, MedGen C4551958, MONDO:0024553, OMIM 600462.

Allele frequency attached by ClinVar (database versions not stated): gnomAD exomes 0.07914; TOPMed 0.11710; gnomAD 0.12296 and 0.12527; 1000 Genomes Project 0.12740; 1000 Genomes Project 30x 0.13101.

Submissions (3):

GeneDx
Classification: Benign. Last evaluated: 2018-06-14. Review status: criteria provided, single submitter. Criteria: GeneDx Variant Classification (06012015). Collection method: clinical testing. Allele origin: germline. Affected: yes.
Comment: This variant is considered likely benign or benign based on one or more of the following criteria: it is a conservative change, it occurs at a poorly conserved position in the protein, it is predicted to be benign by multiple in silico algorithms, and/or has population frequency not consistent with disease.

Illumina Laboratory Services, Illumina
Classification: Benign for Myopathy, lactic acidosis, and sideroblastic anemia 1. Last evaluated: 2017-04-27. Review status: criteria provided, single submitter. Criteria: ICSL Variant Classification Criteria 13 December 2019. Collection method: clinical testing. Allele origin: germline.
Comment: This variant was observed as part of a predisposition screen in an ostensibly healthy population. A literature search was performed for the gene, cDNA change, and amino acid change (where applicable). No publications were found based on this search. Allele frequency data from public databases was too high to be consistent with this variant causing disease. Therefore, this variant is classified as benign.

Breakthrough Genomics
Classification: Benign. Review status: criteria provided, single submitter. Criteria: ACMG Guidelines, 2015. Collection method: not provided. Allele origin: germline. Inheritance: Autosomal recessive inheritance. Affected: yes.

NM_025215.6(PUS1):c.-182C>T

Gene: PUS1 (pseudouridine synthase 1; plus strand). Cytogenetic location: 12q24.33.
Variant type: single nucleotide variant.
Coding change: c.-182C>T on transcript NM_025215.6 (MANE Select); 182 bases upstream of the start codon, C replaced by T.
Molecular consequence: 5 prime UTR variant. On other transcripts: intron variant (2).
Genome position (GRCh38, 1-based): chr12:131,929,541, C>T. VCF-style: chr12-131929541-C-T. GRCh37 (hg19) VCF-style: chr12-132414086-C-T.
Other names: c.-11+137C>T (NM_001002019.3); c.-11+161C>T (NM_001002020.3).
Identifiers: ClinVar variation 307697 (VCV000307697.7), dbSNP rs61942438, ClinGen allele CA10636828.